The following is an entry in ClinVar:

NC_000015.10:g.89662948A>G

Gene: KIF7 (kinesin family member 7; minus strand). Cytogenetic location: 15q26.1.
Variant type: single nucleotide variant.
Genome position: GRCh38 VCF-style: chr15-89662948-A-G. GRCh37 (hg19) VCF-style: chr15-90206179-A-G.
Identifiers: ClinVar variation 3772395 (VCV003772395.13).

ClinVar aggregate classification (germline): Likely benign (1 of 4 stars; one submission).

Submission:

CeGaT Center for Human Genetics Tuebingen
Classification: Likely benign. Last evaluated: 2025-02-01. Review status: criteria provided, single submitter. Criteria: CeGaT Center For Human Genetics Tuebingen Variant Classification Criteria Version 2. Collection method: clinical testing. Allele origin: germline. Affected: yes. Observed: 1 variant allele.
Comment: KIF7: PM2:Supporting, BP4, BP7